The following is an entry in ClinVar:

NM_003628.6(PKP4):c.3095C>T (p.Thr1032Ile)

Genes: PKP4 (plakophilin 4; plus strand), PKP4-AS1 (PKP4 antisense RNA 1; minus strand). Cytogenetic location: 2q24.1.
Variant type: single nucleotide variant.
Coding change: c.3095C>T on transcript NM_003628.6 (MANE Select); coding-DNA position 3095, C replaced by T.
Protein change: p.Thr1032Ile; replaces threonine 1032 with isoleucine.
Molecular consequence: missense variant.
Genome position (GRCh38, 1-based): chr2:158,673,968, C>T. VCF-style: chr2-158673968-C-T. GRCh37 (hg19) VCF-style: chr2-159530480-C-T.
Other names: c.3095C>T, p.Thr1032Ile (NM_001005476.4, NM_001377218.1, NM_001377225.1); c.3092C>T, p.Thr1031Ile (NM_001304969.3, NM_001377219.1, NM_001377220.1 and 2 more transcripts); c.2066C>T, p.Thr689Ile (NM_001304970.3); c.3089C>T, p.Thr1030Ile (NM_001377222.1, NM_001377223.1); c.3086C>T, p.Thr1029Ile (NM_001377224.1); short protein forms T1030I, T689I, T1029I, T1032I, T1031I.
Identifiers: ClinVar variation 3419637 (VCV003419637.1).

ClinVar aggregate classification (germline): Uncertain significance (1 of 4 stars; one submission).

Submission:

Ambry Genetics
Classification: Uncertain significance. Last evaluated: 2024-11-03. Review status: criteria provided, single submitter. Criteria: Ambry Variant Classification Scheme 2023. Collection method: clinical testing. Allele origin: germline.
Comment: The p.T1032I variant (also known as c.3095C>T), located in coding exon 18 of the PKP4 gene, results from a C to T substitution at nucleotide position 3095. The threonine at codon 1032 is replaced by isoleucine, an amino acid with similar properties. This amino acid position is conserved. In addition, this alteration is predicted to be tolerated by in silico analysis. Based on the available evidence, the clinical significance of this variant remains unclear.